The following is an entry in ClinVar:

NM_007255.3(B4GALT7):c.340C>A (p.His114Asn)

Gene: B4GALT7 (beta-1,4-galactosyltransferase 7; plus strand). Cytogenetic location: 5q35.3.
Variant type: single nucleotide variant.
Coding change: c.340C>A on transcript NM_007255.3 (MANE Select); coding-DNA position 340, C replaced by A.
Protein change: p.His114Asn; replaces histidine 114 with asparagine.
Molecular consequence: missense variant.
Genome position (GRCh38, 1-based): chr5:177,604,468, C>A. VCF-style: chr5-177604468-C-A. GRCh37 (hg19) VCF-style: chr5-177031469-C-A.
Other names: short protein forms H114N.
Identifiers: ClinVar variation 1309087 (VCV001309087.6), dbSNP rs753864389, ClinGen allele CA3586446.

ClinVar aggregate classification (germline): Uncertain significance. Review status: criteria provided, multiple submitters, no conflicts (2 of 4 stars). 2 submissions from 2 submitters: Uncertain significance (2). Last evaluated 2021-09-24.

Conditions:
Spondylodysplastic Ehlers-Danlos syndrome. Identifiers: Orphanet 536471, Orphanet 75496, MedGen C5680154, MONDO:0007526.

gnomAD v4.1: 10 of 1,614,028 alleles (0.00062%); highest among the groups gnomAD compares: Non-Finnish European, 0.00085%; no homozygotes.

Submissions (2):

Labcorp Genetics (formerly Invitae), Labcorp
Classification: Uncertain significance for Spondylodysplastic Ehlers-Danlos syndrome. Last evaluated: 2021-09-24. Review status: criteria provided, single submitter. Criteria: Invitae Variant Classification Sherloc (09022015). Collection method: clinical testing. Allele origin: germline.
Comment: This sequence change replaces histidine with asparagine at codon 114 of the B4GALT7 protein (p.His114Asn). The histidine residue is moderately conserved and there is a small physicochemical difference between histidine and asparagine. This variant is present in population databases (rs753864389, ExAC 0.003%). This variant has not been reported in the literature in individuals with B4GALT7-related conditions. Algorithms developed to predict the effect of missense changes on protein structure and function are either unavailable or do not agree on the potential impact of this missense change (SIFT: "Deleterious"; PolyPhen-2: "Possibly Damaging"; Align-GVGD: "Class C0"). In summary, the available evidence is currently insufficient to determine the role of this variant in disease. Therefore, it has been classified as a Variant of Uncertain Significance.

GeneDx
Classification: Uncertain significance. Last evaluated: 2019-10-22. Review status: criteria provided, single submitter. Criteria: GeneDx Variant Classification Process June 2021. Collection method: clinical testing. Allele origin: germline. Affected: yes.
Comment: Not observed at a significant frequency in large population cohorts (Lek et al., 2016); In silico analysis, which includes protein predictors and evolutionary conservation, supports a deleterious effect; Has not been previously published as pathogenic or benign to our knowledge